The following is an entry in ClinVar:

NM_001166114.2(PNPLA6):c.1522C>G (p.Arg508Gly)

Gene: PNPLA6 (patatin like phospholipase domain containing 6; plus strand). Cytogenetic location: 19p13.2.
Variant type: single nucleotide variant.
Coding change: c.1522C>G on transcript NM_001166114.2 (MANE Select); coding-DNA position 1522, C replaced by G.
Protein change: p.Arg508Gly; replaces arginine 508 with glycine.
Molecular consequence: missense variant.
Genome position (GRCh38, 1-based): chr19:7,542,920, C>G. VCF-style: chr19-7542920-C-G. GRCh37 (hg19) VCF-style: chr19-7607806-C-G.
Other names: c.1549C>G, p.Arg517Gly (NM_001166111.2); c.1405C>G, p.Arg469Gly (NM_001166112.2, NM_001166113.1, NM_006702.5); short protein forms R469G, R517G, R508G.
Identifiers: ClinVar variation 3571869 (VCV003571869.1).

ClinVar aggregate classification (germline): Uncertain significance (1 of 4 stars; one submission).

gnomAD v4.1: 11 of 1,613,654 alleles (0.00068%); highest among the groups gnomAD compares: East Asian, 0.0022%; no homozygotes.

Submission:

Athena Diagnostics
Classification: Uncertain significance. Last evaluated: 2024-11-05. Review status: criteria provided, single submitter. Criteria: Athena Diagnostics Criteria. Collection method: clinical testing. Allele origin: unknown.
Comment: Available data are insufficient to determine the clinical significance of the variant at this time. The frequency of this variant in the general population is uninformative in assessment of its pathogenicity. Polyphen and MutationTaster predict this amino acid change may be benign.